The following is an entry in ClinVar:

NM_000744.7(CHRNA4):c.634G>A (p.Val212Met)

Gene: CHRNA4 (cholinergic receptor nicotinic alpha 4 subunit; minus strand). Cytogenetic location: 20q13.33.
Variant type: single nucleotide variant.
Coding change: c.634G>A on transcript NM_000744.7 (MANE Select); coding-DNA position 634, G replaced by A.
Protein change: p.Val212Met; replaces valine 212 with methionine.
Molecular consequence: missense variant. On other transcripts: non-coding transcript variant (1).
Genome position (GRCh38, 1-based): chr20:63,350,777, C>T on the plus strand (G>A on the coding strand, the complement: CHRNA4 is on the minus strand). VCF-style: chr20-63350777-C-T. GRCh37 (hg19) VCF-style: chr20-61982129-C-T.
Other names: c.106G>A, p.Val36Met (NM_001256573.2); short protein forms V212M, V36M.
Identifiers: ClinVar variation 2856233 (VCV002856233.3), dbSNP rs748237979, ClinGen allele CA9957764.

ClinVar aggregate classification (germline): Uncertain significance (1 of 4 stars; one submission).

Conditions:
Familial sleep-related hypermotor epilepsy. Also called: Autosomal Dominant Sleep-Related Hypermotor (Hyperkinetic) Epilepsy. Identifiers: Orphanet 98784, MedGen C3696898, MONDO:0000030.

Allele frequency attached by ClinVar (database versions not stated): ExAC 0.00002.

Submission:

Labcorp Genetics (formerly Invitae), Labcorp
Classification: Uncertain significance. Last evaluated: 2023-04-22. Review status: criteria provided, single submitter. Criteria: Invitae Variant Classification Sherloc (09022015). Collection method: clinical testing. Allele origin: germline.
Comment: In summary, the available evidence is currently insufficient to determine the role of this variant in disease. Therefore, it has been classified as a Variant of Uncertain Significance. Advanced modeling of protein sequence and biophysical properties (such as structural, functional, and spatial information, amino acid conservation, physicochemical variation, residue mobility, and thermodynamic stability) performed at Invitae indicates that this missense variant is not expected to disrupt CHRNA4 protein function. This variant has not been reported in the literature in individuals affected with CHRNA4-related conditions. This variant is present in population databases (rs748237979, gnomAD 0.003%). This sequence change replaces valine, which is neutral and non-polar, with methionine, which is neutral and non-polar, at codon 212 of the CHRNA4 protein (p.Val212Met).